The following is an entry in ClinVar:

ClinVar aggregate classification (germline): Uncertain significance. Review status: criteria provided, multiple submitters, no conflicts (2 of 4 stars). 2 submissions from 2 submitters: Uncertain significance (2). Last evaluated 2025-08-13.

Conditions:
Cardiac arrhythmia. Also called: Arrhythmia; Cardiac rhythm disease. Identifiers: MedGen C0003811, MONDO:0007263, HP:0011675.
Long QT syndrome (LQTS). Identifiers: MedGen C0023976, MeSH D008133, MONDO:0002442. Disease mechanism: loss of function. Inheritance: Various modes of inheritance.

Allele frequency attached by ClinVar (database versions not stated): gnomAD exomes below 0.00001; TOPMed below 0.00001.

Submissions (2):

Labcorp Genetics (formerly Invitae), Labcorp
Classification: Uncertain significance for Long QT syndrome. Last evaluated: 2025-08-13. Review status: criteria provided, single submitter. Criteria: Invitae Variant Classification Sherloc (09022015). Collection method: clinical testing. Allele origin: germline.
Comment: This sequence change replaces proline, which is neutral and non-polar, with leucine, which is neutral and non-polar, at codon 10 of the KCNH2 protein (p.Pro10Leu). This variant is not present in population databases (gnomAD no frequency). This variant has not been reported in the literature in individuals affected with KCNH2-related conditions. ClinVar contains an entry for this variant (Variation ID: 946979). An algorithm developed to predict the effect of missense changes on protein structure and function (PolyPhen-2) suggests that this variant is likely to be disruptive. In summary, the available evidence is currently insufficient to determine the role of this variant in disease. Therefore, it has been classified as a Variant of Uncertain Significance.

Color Diagnostics, LLC DBA Color Health
Classification: Uncertain significance for Cardiac arrhythmia. Last evaluated: 2025-07-02. Review status: criteria provided, single submitter. Criteria: ACMG Guidelines, 2015. Collection method: clinical testing. Allele origin: germline.
Comment: This missense variant replaces proline with leucine at codon 10 of the KCNH2 protein. Computational prediction is inconclusive regarding the impact of this variant on protein structure and function. To our knowledge, functional studies have not been reported for this variant. This variant has not been reported in individuals affected with KCNH2-related disorders in the literature. This variant has not been identified in the general population by the Genome Aggregation Database (gnomAD). The available evidence is insufficient to determine the role of this variant in disease conclusively. Therefore, this variant is classified as a Variant of Uncertain Significance.

NM_000238.4(KCNH2):c.29C>T (p.Pro10Leu)

Gene: KCNH2 (potassium voltage-gated channel subfamily H member 2; minus strand). Cytogenetic location: 7q36.1.
Variant type: single nucleotide variant.
Coding change: c.29C>T on transcript NM_000238.4 (MANE Select); coding-DNA position 29, C replaced by T.
Protein change: p.Pro10Leu; replaces proline 10 with leucine.
Molecular consequence: missense variant.
Genome position (GRCh38, 1-based): chr7:150,977,885, G>A on the plus strand (C>T on the coding strand, the complement: KCNH2 is on the minus strand). VCF-style: chr7-150977885-G-A. GRCh37 (hg19) VCF-style: chr7-150674973-G-A.
Other names: c.29C>T, p.Pro10Leu (NM_172056.3); short protein forms P10L.
Identifiers: ClinVar variation 946979 (VCV000946979.8), dbSNP rs1383782501, ClinGen allele CA369866736.
Genomic context (GRCh38, chr7:150,977,885, plus strand): 5'-CTCCCCCACTCACTCTGGCCCTCAAACTTGCGGATGATGGTGTCCAGGAAGGTGTTCTGC[G>A]GCGCGACGTGGCCCCTCCGCACCGGCATCCTGAGCCCATGGGCGGGCCGGGCGGGCCCCC-3'
Protein context (NP_000229.1, residues 1-20): MPVRRGHVA[Pro10Leu]QNTFLDTIIR